The following is an entry in ClinVar:

NM_032043.3(BRIP1):c.1198G>T (p.Asp400Tyr)

Gene: BRIP1 (BRCA1 interacting DNA helicase 1; minus strand). Cytogenetic location: 17q23.2.
Variant type: single nucleotide variant.
Coding change: c.1198G>T on transcript NM_032043.3 (MANE Select); coding-DNA position 1198, G replaced by T.
Protein change: p.Asp400Tyr; replaces aspartic acid 400 with tyrosine.
Molecular consequence: missense variant.
Genome position (GRCh38, 1-based): chr17:61,799,242, C>A on the plus strand (G>T on the coding strand, the complement: BRIP1 is on the minus strand). VCF-style: chr17-61799242-C-A. GRCh37 (hg19) VCF-style: chr17-59876603-C-A.
Other names: short protein forms D400Y.
Identifiers: ClinVar variation 216785 (VCV000216785.32), dbSNP rs764711572, ClinGen allele CA336753.

ClinVar aggregate classification (germline): Uncertain significance. Review status: criteria provided, multiple submitters, no conflicts (2 of 4 stars). 8 submissions from 8 submitters: Uncertain significance (8). Last evaluated 2026-01-07.

Conditions:
Familial ovarian cancer. Identifiers: MedGen C5679802, MONDO:0016248.
Familial cancer of breast. Also called: Hereditary breast cancer; BREAST CANCER, FAMILIAL; hereditary breast carcinoma. Identifiers: Orphanet 227535, MedGen C0346153, MONDO:0016419, OMIM 114480. Disease mechanism: loss of function.
Fanconi anemia complementation group J. Also called: BRIP1-Related Fanconi Anemia. Identifiers: Orphanet 84, MedGen C1836860, MONDO:0012187, OMIM 609054.
Hereditary cancer-predisposing syndrome. Also called: Tumor predisposition; Hereditary Cancer Syndrome; Neoplastic Syndromes, Hereditary; Hereditary neoplastic syndrome. Identifiers: Orphanet 140162, MedGen C0027672, MeSH D009386, MONDO:0015356.

Allele frequency attached by ClinVar (database versions not stated): ExAC 0.00001; gnomAD exomes 0.00001.
gnomAD v4.1: 18 of 1,613,588 alleles (0.0011%); highest among the groups gnomAD compares: Middle Eastern, 0.049%; no homozygotes.

Submissions (8):

Labcorp Genetics (formerly Invitae), Labcorp
Classification: Uncertain significance for Familial cancer of breast; Fanconi anemia complementation group J. Last evaluated: 2026-01-07. Review status: criteria provided, single submitter. Criteria: Invitae Variant Classification Sherloc (09022015). Collection method: clinical testing. Allele origin: germline.
Comment: This sequence change replaces aspartic acid, which is acidic and polar, with tyrosine, which is neutral and polar, at codon 400 of the BRIP1 protein (p.Asp400Tyr). This variant is present in population databases (rs764711572, gnomAD 0.003%). This missense change has been observed in individual(s) with Lynch syndrome (PMID: 25980754, 30414346, 35402282). ClinVar contains an entry for this variant (Variation ID: 216785). Invitae Evidence Modeling of protein sequence and biophysical properties (such as structural, functional, and spatial information, amino acid conservation, physicochemical variation, residue mobility, and thermodynamic stability) has been performed for this missense variant. However, the output from this modeling did not meet the statistical confidence thresholds required to predict the impact of this variant on BRIP1 protein function. In summary, the available evidence is currently insufficient to determine the role of this variant in disease. Therefore, it has been classified as a Variant of Uncertain Significance.

Center for Genomic Medicine, Rigshospitalet, Copenhagen University Hospital
Classification: Uncertain significance. Last evaluated: 2025-12-29. Review status: criteria provided, single submitter. Criteria: ACMG Guidelines, 2015. Collection method: clinical testing. Allele origin: germline.

KCCC/NGS Laboratory, Kuwait Cancer Control Center
Classification: Uncertain significance for Familial cancer of breast. Last evaluated: 2025-07-08. Review status: criteria provided, single submitter. Criteria: ACMG Guidelines, 2015. Collection method: clinical testing. Allele origin: germline. Inheritance: Autosomal dominant inheritance. Affected: yes. Observed: 1 heterozygote.
Comment: This sequence change replaces aspartic acid, which is acidic and polar, with tyrosine, which is neutral and polar, at codon 400 of the BRIP1 protein (p.Asp400Tyr). This amino acid position is well conserved . This variant is present in population databases (rs764711572, gnomAD 0.003%). This missense change has been observed in individual(s) with Lynch syndrome (PMID: 25980754, 30414346). ClinVar contains an entry for this variant (Variation ID: 216785). In addition, the in silico prediction for this alteration is inconclusive. In summary, the available evidence is currently insufficient to determine the role of this variant in disease. Therefore, it has been classified as a Variant of Uncertain Significance.

Ambry Genetics
Classification: Uncertain significance for Hereditary cancer-predisposing syndrome. Last evaluated: 2025-02-07. Review status: criteria provided, single submitter. Criteria: Ambry Variant Classification Scheme 2023. Collection method: clinical testing. Allele origin: germline.
Comment: The p.D400Y variant (also known as c.1198G>T), located in coding exon 8 of the BRIP1 gene, results from a G to T substitution at nucleotide position 1198. The aspartic acid at codon 400 is replaced by tyrosine, an amino acid with highly dissimilar properties. This alteration has been identified in 2/976 alleles from a cohort of Dutch melanomaprone families (Potjer TP et al. Int. J. Cancer, 2019 05;144:2453-2464). This alteration was detected in 3/1197 patients with breast cancer who underwent genetic testing (Abdel-Razeq H et al. Front Oncol, 2022 Mar;12:673094). This amino acid position is well conserved in available vertebrate species. In addition, the in silico prediction for this alteration is inconclusive. Based on the available evidence, the clinical significance of this variant remains unclear.

Department of Pathology and Laboratory Medicine, Sinai Health System
Classification: Uncertain significance for familial ovarian cancer. Last evaluated: 2024-12-13. Review status: criteria provided, single submitter. Criteria: ACMG Guidelines, 2015. Collection method: clinical testing. Allele origin: germline.

Baylor Genetics
Classification: Uncertain significance for Familial cancer of breast. Last evaluated: 2023-09-06. Review status: criteria provided, single submitter. Criteria: ACMG Guidelines, 2015. Collection method: clinical testing. Allele origin: unknown.

GeneDx
Classification: Uncertain significance. Last evaluated: 2023-03-07. Review status: criteria provided, single submitter. Criteria: GeneDx Variant Classification Process June 2021. Collection method: clinical testing. Allele origin: germline. Affected: yes.
Comment: Not observed at significant frequency in large population cohorts (gnomAD); Observed in individuals with breast cancer, melanoma, and a Lynch syndrome-associated cancer and/or polyps (Yurgelun et al., 2015; Weber-Lassalle et al., 2018; Potjer et al., 2019; Abdel-Razeq et al., 2022); In silico analysis supports that this missense variant has a deleterious effect on protein structure/function; This variant is associated with the following publications: (PMID: 25980754, 30414346, 29368626, 35402282)

Color Diagnostics, LLC DBA Color Health
Classification: Uncertain significance for Hereditary cancer-predisposing syndrome. Last evaluated: 2021-09-20. Review status: criteria provided, single submitter. Criteria: ACMG Guidelines, 2015. Collection method: clinical testing. Allele origin: germline.
Comment: This missense variant replaces aspartic acid with tyrosine at codon 400 of the BRIP1 protein. Computational prediction is inconclusive regarding the impact of this variant on protein structure and function (internally defined REVEL score threshold 0.5 < inconclusive < 0.7, PMID: 27666373). To our knowledge, functional studies have not been reported for this variant. This variant has been reported in an individual affected with Lynch syndrome-associated cancer and/or colorectal polyps (PMID: 25980754) and in two individuals with melanoma (PMID: 30414346). This variant has been identified in 3/250882 chromosomes in the general population by the Genome Aggregation Database (gnomAD). The available evidence is insufficient to determine the role of this variant in disease conclusively. Therefore, this variant is classified as a Variant of Uncertain Significance.

Literature cited by the submitters: PubMed 25980754 (cited by 4 submitters); PubMed 30414346 (cited by 5 submitters); PubMed 35402282 (cited by 4 submitters); PubMed 31822495 (cited by Ambry Genetics).